The following is an entry in ClinVar:

ClinVar aggregate classification (germline): Uncertain significance (1 of 4 stars; one submission).

Conditions:
Epilepsy, familial adult myoclonic, 5 (EPEO5). Also called: CORTICAL MYOCLONIC TREMOR WITH EPILEPSY, FAMILIAL, 5. Identifiers: Orphanet 86814, MedGen C3809374, MONDO:0014167, OMIM 615400.

Submission:

Labcorp Genetics (formerly Invitae), Labcorp
Classification: Uncertain significance for Epilepsy, familial adult myoclonic, 5. Last evaluated: 2024-10-16. Review status: criteria provided, single submitter. Criteria: Invitae Variant Classification Sherloc (09022015). Collection method: clinical testing. Allele origin: germline.
Comment: This sequence change replaces threonine, which is neutral and polar, with isoleucine, which is neutral and non-polar, at codon 887 of the CNTN2 protein (p.Thr887Ile). This variant is not present in population databases (gnomAD no frequency). This variant has not been reported in the literature in individuals affected with CNTN2-related conditions. ClinVar contains an entry for this variant (Variation ID: 2091477). Invitae Evidence Modeling of protein sequence and biophysical properties (such as structural, functional, and spatial information, amino acid conservation, physicochemical variation, residue mobility, and thermodynamic stability) indicates that this missense variant is not expected to disrupt CNTN2 protein function with a negative predictive value of 95%. In summary, the available evidence is currently insufficient to determine the role of this variant in disease. Therefore, it has been classified as a Variant of Uncertain Significance.

NM_005076.5(CNTN2):c.2660C>T (p.Thr887Ile)

Gene: CNTN2 (contactin 2; plus strand). Cytogenetic location: 1q32.1.
Variant type: single nucleotide variant.
Coding change: c.2660C>T on transcript NM_005076.5 (MANE Select); coding-DNA position 2660, C replaced by T.
Protein change: p.Thr887Ile; replaces threonine 887 with isoleucine.
Molecular consequence: missense variant. On other transcripts: non-coding transcript variant (1).
Genome position (GRCh38, 1-based): chr1:205,072,062, C>T. VCF-style: chr1-205072062-C-T. GRCh37 (hg19) VCF-style: chr1-205041190-C-T.
Other names: c.2660C>T, p.Thr887Ile (NM_001346083.2); short protein forms T887I.
Identifiers: ClinVar variation 2091477 (VCV002091477.4), dbSNP rs2151200031, ClinGen allele CA344381306.